The following is an entry in ClinVar:

ClinVar aggregate classification (germline): Likely benign. Review status: criteria provided, multiple submitters, no conflicts (2 of 4 stars). 3 submissions from 3 submitters: Likely benign (3). Last evaluated 2023-05-14.

Conditions:
Hereditary cancer-predisposing syndrome. Also called: Neoplastic Syndromes, Hereditary; Hereditary neoplastic syndrome; Tumor predisposition; Hereditary Cancer Syndrome. Identifiers: Orphanet 140162, MedGen C0027672, MeSH D009386, MONDO:0015356.
Peutz-Jeghers syndrome (PJS). Also called: POLYPOSIS, HAMARTOMATOUS INTESTINAL; POLYPS-AND-SPOTS SYNDROME; Peutz-Jeghers polyposis; Periorificial lentiginosis syndrome. Identifiers: Orphanet 2869, MedGen C0031269, MeSH D010580, MONDO:0008280, OMIM 175200.

Allele frequency attached by ClinVar (database versions not stated): gnomAD exomes below 0.00001.
gnomAD v4.1: 1 of 1,613,988 alleles (0.000062%); highest among the groups gnomAD compares: Non-Finnish European, 0.000085%; no homozygotes.

Submissions (3):

Labcorp Genetics (formerly Invitae), Labcorp
Classification: Likely benign for Peutz-Jeghers syndrome. Last evaluated: 2023-05-14. Review status: criteria provided, single submitter. Criteria: Invitae Variant Classification Sherloc (09022015). Collection method: clinical testing. Allele origin: germline.

Ambry Genetics
Classification: Likely benign for Hereditary cancer-predisposing syndrome. Last evaluated: 2020-08-29. Review status: criteria provided, single submitter. Criteria: Ambry Variant Classification Scheme 2023. Collection method: clinical testing. Allele origin: germline.

GeneDx
Classification: Likely benign. Last evaluated: 2016-02-29. Review status: criteria provided, single submitter. Criteria: GeneDx Variant Classification (06012015). Collection method: clinical testing. Allele origin: germline. Affected: yes.
Comment: This variant is considered likely benign or benign based on one or more of the following criteria: it is a conservative change, it occurs at a poorly conserved position in the protein, it is predicted to be benign by multiple in silico algorithms, and/or has population frequency not consistent with disease.

NM_000455.5(STK11):c.168G>C (p.Gly56=)

Gene: STK11 (serine/threonine kinase 11; plus strand). Cytogenetic location: 19p13.3.
Variant type: single nucleotide variant.
Coding change: c.168G>C on transcript NM_000455.5 (MANE Select); coding-DNA position 168, G replaced by C.
Protein change: p.Gly56=; no amino-acid change (glycine 56 retained).
Molecular consequence: synonymous variant.
Genome position (GRCh38, 1-based): chr19:1,207,081, G>C. VCF-style: chr19-1207081-G-C. GRCh37 (hg19) VCF-style: chr19-1207080-G-C.
Identifiers: ClinVar variation 384365 (VCV000384365.6), dbSNP rs1057521938, ClinGen allele CA16607686.